The following is an entry in ClinVar:

NM_001457.4(FLNB):c.7189G>A (p.Gly2397Ser)

Genes: FLNB (filamin B; plus strand), FLNB-AS1 (FLNB antisense RNA 1; minus strand). Cytogenetic location: 3p14.3.
Variant type: single nucleotide variant.
Coding change: c.7189G>A on transcript NM_001457.4 (MANE Select); coding-DNA position 7189, G replaced by A.
Protein change: p.Gly2397Ser; replaces glycine 2397 with serine.
Molecular consequence: missense variant. On other transcripts: non-coding transcript variant (1).
Genome position (GRCh38, 1-based): chr3:58,163,321, G>A. VCF-style: chr3-58163321-G-A. GRCh37 (hg19) VCF-style: chr3-58149048-G-A.
Other names: c.7282G>A, p.Gly2428Ser (NM_001164317.2); c.7156G>A, p.Gly2386Ser (NM_001164318.2); c.7117G>A, p.Gly2373Ser (NM_001164319.2); short protein forms G2386S, G2397S, G2373S, G2428S.
Identifiers: ClinVar variation 2812030 (VCV002812030.3), dbSNP rs2471254658, ClinGen allele CA353365089.

ClinVar aggregate classification (germline): Uncertain significance (1 of 4 stars; one submission).

Submission:

Labcorp Genetics (formerly Invitae), Labcorp
Classification: Uncertain significance. Last evaluated: 2023-05-10. Review status: criteria provided, single submitter. Criteria: Invitae Variant Classification Sherloc (09022015). Collection method: clinical testing. Allele origin: germline.
Comment: In summary, the available evidence is currently insufficient to determine the role of this variant in disease. Therefore, it has been classified as a Variant of Uncertain Significance. Advanced modeling of protein sequence and biophysical properties (such as structural, functional, and spatial information, amino acid conservation, physicochemical variation, residue mobility, and thermodynamic stability) performed at Invitae indicates that this missense variant is not expected to disrupt FLNB protein function. This variant has not been reported in the literature in individuals affected with FLNB-related conditions. This variant is not present in population databases (gnomAD no frequency). This sequence change replaces glycine, which is neutral and non-polar, with serine, which is neutral and polar, at codon 2397 of the FLNB protein (p.Gly2397Ser).